The following is an entry in ClinVar:

NM_001372.4(DNAH9):c.2876T>C (p.Ile959Thr)

Genes: DNAH9 (dynein axonemal heavy chain 9; plus strand), LOC126862505 (BRD4-independent group 4 enhancer GRCh37_chr17:11572478-11573677; plus strand). Cytogenetic location: 17p12.
Variant type: single nucleotide variant.
Coding change: c.2876T>C on transcript NM_001372.4 (MANE Select); coding-DNA position 2876, T replaced by C.
Protein change: p.Ile959Thr; replaces isoleucine 959 with threonine.
Molecular consequence: missense variant.
Genome position (GRCh38, 1-based): chr17:11,669,208, T>C. VCF-style: chr17-11669208-T-C. GRCh37 (hg19) VCF-style: chr17-11572525-T-C.
Other names: short protein forms I959T.
Identifiers: ClinVar variation 1941942 (VCV001941942.5), dbSNP rs1325948135, ClinGen allele CA398182117.
Genomic context (GRCh38, chr17:11,669,208, plus strand): 5'-CTGGAGTGAAGGGGGGTTTCTGTGACATTGTTGAGGGTCTCATCACCAGCATTTTTAGGA[T>C]ACCATCTCTGGTGCCACGGCTTTCCCCACAAAATGGCTCTCCTCACTATCAGGTACTGGA-3'
Protein context (NP_001363.2, residues 949-969): VEGLITSIFR[Ile959Thr]PSLVPRLSPQ

ClinVar aggregate classification (germline): Uncertain significance (1 of 4 stars; one submission).

gnomAD v4.1: 1 of 1,614,086 alleles (0.000062%); highest among the groups gnomAD compares: East Asian, 0.0022%; no homozygotes.

Submission:

Labcorp Genetics (formerly Invitae), Labcorp
Classification: Uncertain significance. Last evaluated: 2022-10-31. Review status: criteria provided, single submitter. Criteria: Invitae Variant Classification Sherloc (09022015). Collection method: clinical testing. Allele origin: germline.
Comment: In summary, the available evidence is currently insufficient to determine the role of this variant in disease. Therefore, it has been classified as a Variant of Uncertain Significance. Advanced modeling of protein sequence and biophysical properties (such as structural, functional, and spatial information, amino acid conservation, physicochemical variation, residue mobility, and thermodynamic stability) performed at Invitae indicates that this missense variant is not expected to disrupt DNAH9 protein function. This variant has not been reported in the literature in individuals affected with DNAH9-related conditions. This variant is not present in population databases (gnomAD no frequency). This sequence change replaces isoleucine, which is neutral and non-polar, with threonine, which is neutral and polar, at codon 959 of the DNAH9 protein (p.Ile959Thr).